The following is an entry in ClinVar:

ClinVar aggregate classification (germline): Uncertain significance (1 of 4 stars; one submission).

gnomAD v4.1: 287 of 1,593,836 alleles (0.018%); highest among the groups gnomAD compares: African/African-American, 0.36%; no homozygotes.

Submission:

GeneDx
Classification: Uncertain significance. Last evaluated: 2025-02-10. Review status: criteria provided, single submitter. Criteria: GeneDx Variant Classification Process June 2021. Collection method: clinical testing. Allele origin: germline. Affected: yes.
Comment: In silico analysis supports that this missense variant has a deleterious effect on protein structure/function; Has not been previously published as pathogenic or benign to our knowledge

NM_002281.4(KRT81):c.110G>A (p.Cys37Tyr)

Genes: KRT81 (keratin 81; minus strand), KRT86 (keratin 86; plus strand). Cytogenetic location: 12q13.13.
Variant type: single nucleotide variant.
Coding change: c.110G>A on transcript NM_002281.4 (MANE Select); coding-DNA position 110, G replaced by A.
Protein change: p.Cys37Tyr; replaces cysteine 37 with tyrosine.
Molecular consequence: missense variant. On other transcripts: intron variant (1).
Genome position (GRCh38, 1-based): chr12:52,291,356, C>T on the plus strand (G>A on the coding strand, the complement: KRT81 is on the minus strand). VCF-style: chr12-52291356-C-T. GRCh37 (hg19) VCF-style: chr12-52685140-C-T.
Other names: c.-4-10557C>T (NM_001320198.2); short protein forms C37Y.
Identifiers: ClinVar variation 4074441 (VCV004074441.1).